The following is an entry in ClinVar:

ClinVar aggregate classification (germline): Uncertain significance (1 of 4 stars; one submission).

Conditions:
RASopathy. Also called: Noonan spectrum disorder; rasopathies. Identifiers: Orphanet 536391, MedGen C5555857, MONDO:0021060.

gnomAD v4.1: 1 of 1,613,760 alleles (0.000062%); highest among the groups gnomAD compares: Non-Finnish European, 0.000085%; no homozygotes.

Submission:

Labcorp Genetics (formerly Invitae), Labcorp
Classification: Uncertain significance for RASopathy. Last evaluated: 2025-12-15. Review status: criteria provided, single submitter. Criteria: Invitae Variant Classification Sherloc (09022015). Collection method: clinical testing. Allele origin: germline.
Comment: This sequence change falls in intron 5 of the RAF1 gene. It does not directly change the encoded amino acid sequence of the RAF1 protein. It affects a nucleotide within the consensus splice site. This variant is not present in population databases (gnomAD no frequency). This variant has not been reported in the literature in individuals affected with RAF1-related conditions. ClinVar contains an entry for this variant (Variation ID: 3679060). Variants that disrupt the consensus splice site are a relatively common cause of aberrant splicing (PMID: 17576681, 9536098). Algorithms developed to predict the effect of sequence changes on RNA splicing suggest that this variant may disrupt the consensus splice site. In summary, the available evidence is currently insufficient to determine the role of this variant in disease. Therefore, it has been classified as a Variant of Uncertain Significance.

Literature cited by the submitters: PubMed 17576681; PubMed 9536098.

NM_002880.4(RAF1):c.581+3A>G

Gene: RAF1 (Raf-1 proto-oncogene, serine/threonine kinase; minus strand). Cytogenetic location: 3p25.2.
Variant type: single nucleotide variant.
Coding change: c.581+3A>G on transcript NM_002880.4 (MANE Select); 3 bases into the intron after coding-DNA position 581, A replaced by G.
Molecular consequence: intron variant.
Genome position (GRCh38, 1-based): chr3:12,608,763, T>C on the plus strand (A>G on the coding strand, the complement: RAF1 is on the minus strand). VCF-style: chr3-12608763-T-C. GRCh37 (hg19) VCF-style: chr3-12650262-T-C.
Other names: c.338+3A>G (NM_001354695.3, NM_001354692.3, NM_001354694.3 and 1 more transcripts); c.581+3A>G (NM_001354693.3, NM_001354689.3, NM_001354690.3).
Identifiers: ClinVar variation 3679060 (VCV003679060.2).